The following is an entry in ClinVar:

NM_000548.5(TSC2):c.5381A>G (p.Lys1794Arg)

Gene: TSC2 (TSC complex subunit 2; plus strand). Cytogenetic location: 16p13.3.
Variant type: single nucleotide variant.
Coding change: c.5381A>G on transcript NM_000548.5 (MANE Select); coding-DNA position 5381, A replaced by G.
Protein change: p.Lys1794Arg; replaces lysine 1794 with arginine.
Molecular consequence: missense variant.
Genome position (GRCh38, 1-based): chr16:2,088,567, A>G. VCF-style: chr16-2088567-A-G. GRCh37 (hg19) VCF-style: chr16-2138568-A-G.
Other names: c.5180A>G, p.Lys1727Arg (NM_001077183.3); c.5312A>G, p.Lys1771Arg (NM_001114382.3); c.5072A>G, p.Lys1691Arg (NM_001318827.2); c.5036A>G, p.Lys1679Arg (NM_001318829.2); c.4649A>G, p.Lys1550Arg (NM_001318831.2); c.5213A>G, p.Lys1738Arg (NM_001318832.2); c.5183A>G, p.Lys1728Arg (NM_001363528.2); c.5249A>G, p.Lys1750Arg (NM_001370404.1); and 2 more; short protein forms K1550R, K1679R, K1728R, K1747R, K1727R, K1691R, K1751R, K1794R.
Identifiers: ClinVar variation 858649 (VCV000858649.14), dbSNP rs756064266, ClinGen allele CA055265.
Genomic context (GRCh38, chr16:2,088,567, plus strand): 5'-GCAAAGCCCCTGCACAGACTCCAGCCGAGCCCACACCTGGCTATGAGGTGGGCCAGCGGA[A>G]GCGCCTCATCTCCTCGGTGGAGGACTTCACCGAGTTTGTGTGAGGCCGGGGCCCTCCCTC-3'
Protein context (NP_000539.2, residues 1784-1804): PTPGYEVGQR[Lys1794Arg]RLISSVEDFT

ClinVar aggregate classification (germline): Conflicting classifications of pathogenicity. Review status: criteria provided, conflicting classifications (1 of 4 stars). 3 submissions from 3 submitters: Uncertain significance (2); Benign (1). Last evaluated 2025-02-21.

Conditions:
Tuberous sclerosis 2 (TSC2). Identifiers: Orphanet 805, MedGen C1860707, MONDO:0013199, OMIM 613254.
Tuberous sclerosis syndrome (TSC). Also called: Tuberous Sclerosis Complex; Tuberous sclerosis. Identifiers: Orphanet 805, MedGen C0041341, MONDO:0001734.
Hereditary cancer-predisposing syndrome. Also called: Hereditary neoplastic syndrome; Tumor predisposition; Neoplastic Syndromes, Hereditary; Hereditary Cancer Syndrome. Identifiers: Orphanet 140162, MedGen C0027672, MeSH D009386, MONDO:0015356.

Allele frequency attached by ClinVar (database versions not stated): gnomAD exomes below 0.00001 and 0.00001; ExAC 0.00002.
gnomAD v4.1: 1 of 1,610,306 alleles (0.000062%); highest among the groups gnomAD compares: Non-Finnish European, 0.000085%; no homozygotes.

Submissions (3):

Ambry Genetics
Classification: Uncertain significance for Hereditary cancer-predisposing syndrome. Last evaluated: 2025-02-21. Review status: criteria provided, single submitter. Criteria: Ambry Variant Classification Scheme 2023. Collection method: clinical testing. Allele origin: germline.
Comment: The p.K1794R variant (also known as c.5381A>G), located in coding exon 41 of the TSC2 gene, results from an A to G substitution at nucleotide position 5381. The lysine at codon 1794 is replaced by arginine, an amino acid with highly similar properties. This amino acid position is well conserved in available vertebrate species. In addition, the in silico prediction for this alteration is inconclusive. Based on the available evidence, the clinical significance of this variant remains unclear.

Labcorp Genetics (formerly Invitae), Labcorp
Classification: Benign for Tuberous sclerosis 2. Last evaluated: 2024-12-29. Review status: criteria provided, single submitter. Criteria: Invitae Variant Classification Sherloc (09022015). Collection method: clinical testing. Allele origin: germline.

All of Us Research Program, National Institutes of Health
Classification: Uncertain significance for Tuberous sclerosis syndrome. Last evaluated: 2024-06-09. Review status: criteria provided, single submitter. Criteria: ACMG Guidelines, 2015. Collection method: clinical testing. Allele origin: germline. Inheritance: Autosomal dominant inheritance. Observed: 1 variant allele, 1 heterozygote.
Comment: This missense variant replaces lysine with arginine at codon 1794 of the TSC2 protein. Computational prediction is inconclusive regarding the impact of this variant on protein structure and function (internally defined REVEL score threshold 0.5 < inconclusive < 0.7, PMID: 27666373). To our knowledge, functional studies have not been reported for this variant. This variant has not been reported in individuals affected with TSC2-related disorders in the literature. This variant has been identified in 2/247022 chromosomes in the general population by the Genome Aggregation Database (gnomAD). The available evidence is insufficient to determine the role of this variant in disease conclusively. Therefore, this variant is classified as a Variant of Uncertain Significance.

This study involves interpretation of variants in research participants for the purpose of population health screening. Participant phenotype was not available at the time of variant classification. Additional details can be found in publication PMID: 35346344, PMCID: PMC8962531